The following is an entry in ClinVar:

ClinVar aggregate classification (germline): Uncertain significance (1 of 4 stars; one submission).

Conditions:
Inborn genetic diseases. Identifiers: MedGen C0950123, MeSH D030342.

Submission:

Ambry Genetics
Classification: Uncertain significance for Inborn genetic diseases. Last evaluated: 2026-01-03. Review status: criteria provided, single submitter. Criteria: Ambry Variant Classification Scheme 2023. Collection method: clinical testing. Allele origin: germline.
Comment: The p.D408E variant (also known as c.1224C>A), located in coding exon 7 of the ERCC6L2 gene, results from a C to A substitution at nucleotide position 1224. The aspartic acid at codon 408 is replaced by glutamic acid, an amino acid with highly similar properties. This amino acid position is conserved. In addition, the in silico prediction for this alteration is inconclusive. Based on the available evidence, the clinical significance of this variant remains unclear.

NM_020207.7(ERCC6L2):c.1224C>A (p.Asp408Glu)

Gene: ERCC6L2 (ERCC excision repair 6 like 2; plus strand). Cytogenetic location: 9q22.32.
Variant type: single nucleotide variant.
Coding change: c.1224C>A on transcript NM_020207.7 (MANE Select); coding-DNA position 1224, C replaced by A.
Protein change: p.Asp408Glu; replaces aspartic acid 408 with glutamic acid.
Molecular consequence: missense variant. On other transcripts: non-coding transcript variant (1).
Genome position (GRCh38, 1-based): chr9:95,921,240, C>A. VCF-style: chr9-95921240-C-A. GRCh37 (hg19) VCF-style: chr9-98683522-C-A.
Other names: c.1224C>A, p.Asp408Glu (NM_001010895.4, NM_001375291.1, NM_001375292.1 and 2 more transcripts); short protein forms D408E.
Identifiers: ClinVar variation 4844054 (VCV004844054.1).